The following is an entry in ClinVar:

ClinVar aggregate classification (germline): Uncertain significance. Review status: criteria provided, multiple submitters, no conflicts (2 of 4 stars). 2 submissions from 2 submitters: Uncertain significance (2). Last evaluated 2024-03-22.

Conditions:
Mucopolysaccharidosis, MPS-III-A (MPS3A). Also called: HEPARAN SULFATE SULFATASE DEFICIENCY; SANFILIPPO SYNDROME A; SULFAMIDASE DEFICIENCY; MPS III A; Mucopolysaccharidosis, type IIIA; MUCOPOLYSACCHARIDOSIS, TYPE IIIA, ATTENUATED. Identifiers: Orphanet 581, Orphanet 79269, MedGen C0086647, MONDO:0009655, OMIM 252900.

Allele frequency attached by ClinVar (database versions not stated): ExAC 0.00001; gnomAD exomes below 0.00001.

Submissions (2):

Women's Health and Genetics/Laboratory Corporation of America, LabCorp
Classification: Uncertain significance. Last evaluated: 2024-03-22. Review status: criteria provided, single submitter. Criteria: LabCorp Variant Classification Summary - May 2015. Collection method: clinical testing. Allele origin: germline.
Comment: Variant summary: SGSH c.863C>T (p.Pro288Leu) results in a non-conservative amino acid change in the encoded protein sequence. Three of five in-silico tools predict a damaging effect of the variant on protein function. The variant allele was found at a frequency of 4e-06 in 250402 control chromosomes (gnomAD). c.863C>T has been reported in the literature in individuals affected with Mucopolysaccharidosis Type IIIA (Sanfilippo Syndrome A; Pollard_2013, Yubero_2016, Ashrafi_2023). These data indicate that the variant may be associated with disease. To our knowledge, no experimental evidence demonstrating an impact on protein function has been reported. The following publications have been ascertained in the context of this evaluation (PMID: 22976768, 27243974, 37597066). ClinVar contains an entry for this variant (Variation ID: 2138119). Based on the evidence outlined above, the variant was classified as VUS-possibly pathogenic.

Labcorp Genetics (formerly Invitae), Labcorp
Classification: Uncertain significance for Mucopolysaccharidosis, MPS-III-A. Last evaluated: 2023-05-01. Review status: criteria provided, single submitter. Criteria: Invitae Variant Classification Sherloc (09022015). Collection method: clinical testing. Allele origin: germline.
Comment: This variant disrupts the p.Pro288 amino acid residue in SGSH. Other variant(s) that disrupt this residue have been observed in individuals with SGSH-related conditions (PMID: 11793481), which suggests that this may be a clinically significant amino acid residue. In summary, the available evidence is currently insufficient to determine the role of this variant in disease. Therefore, it has been classified as a Variant of Uncertain Significance. Advanced modeling of protein sequence and biophysical properties (such as structural, functional, and spatial information, amino acid conservation, physicochemical variation, residue mobility, and thermodynamic stability) has been performed at Invitae for this missense variant, however the output from this modeling did not meet the statistical confidence thresholds required to predict the impact of this variant on SGSH protein function. ClinVar contains an entry for this variant (Variation ID: 2138119). This missense change has been observed in individual(s) with mucopolysaccharidosis (PMID: 22976768). This variant is present in population databases (rs760096011, gnomAD 0.0009%). This sequence change replaces proline, which is neutral and non-polar, with leucine, which is neutral and non-polar, at codon 288 of the SGSH protein (p.Pro288Leu).

Literature cited by the submitters: PubMed 22976768 (cited by Women's Health and Genetics/Laboratory Corporation of America, LabCorp and Labcorp Genetics (formerly Invitae), Labcorp); PubMed 27243974 (cited by Women's Health and Genetics/Laboratory Corporation of America, LabCorp); PubMed 37597066 (cited by Women's Health and Genetics/Laboratory Corporation of America, LabCorp); PubMed 11793481 (cited by Labcorp Genetics (formerly Invitae), Labcorp).

NM_000199.5(SGSH):c.863C>T (p.Pro288Leu)

Gene: SGSH (N-sulfoglucosamine sulfohydrolase; minus strand). Cytogenetic location: 17q25.3.
Variant type: single nucleotide variant.
Coding change: c.863C>T on transcript NM_000199.5 (MANE Select); coding-DNA position 863, C replaced by T.
Protein change: p.Pro288Leu; replaces proline 288 with leucine.
Molecular consequence: missense variant. On other transcripts: non-coding transcript variant (1).
Genome position (GRCh38, 1-based): chr17:80,212,157, G>A on the plus strand (C>T on the coding strand, the complement: SGSH is on the minus strand). VCF-style: chr17-80212157-G-A. GRCh37 (hg19) VCF-style: chr17-78185956-G-A.
Other names: c.863C>T, p.Pro288Leu (NM_001352921.3, NM_001352922.2); short protein forms P288L.
Identifiers: ClinVar variation 2138119 (VCV002138119.5), dbSNP rs760096011, ClinGen allele CA8817761.